The following is an entry in ClinVar:

NM_007332.3(TRPA1):c.2814T>C (p.Phe938=)

Genes: MSC-AS1 (MSC antisense RNA 1; plus strand), TRPA1 (transient receptor potential cation channel subfamily A member 1; minus strand), LOC126860417 (BRD4-independent group 4 enhancer GRCh37_chr8:72945660-72946859; plus strand). Cytogenetic location: 8q21.11.
Variant type: single nucleotide variant.
Coding change: c.2814T>C on transcript NM_007332.3 (MANE Select); coding-DNA position 2814, T replaced by C.
Protein change: p.Phe938=; no amino-acid change (phenylalanine 938 retained).
Molecular consequence: synonymous variant.
Genome position (GRCh38, 1-based): chr8:72,033,698, A>G on the plus strand (T>C on the coding strand, the complement: TRPA1 is on the minus strand). VCF-style: chr8-72033698-A-G. GRCh37 (hg19) VCF-style: chr8-72945933-A-G.
Identifiers: ClinVar variation 3054882 (VCV003054882.2), dbSNP rs1161100028, ClinGen allele CA461333773.
Genomic context (GRCh38, chr8:72,033,698, plus strand): 5'-ACTTACAAGTAAATTCATGAGGACAATTGGGACAAATATTGTGAAGGAAACAAGTTGTGC[A>G]AAGGACAGAACTGGATGTGCCAATTCATTTCTCAGATATGGTTCTAGGAAGGACTCTCGA-3'
Protein context (NP_015628.2, residues 928-948): RNELAHPVLS[Phe938=]AQLVSFTIFV

ClinVar aggregate classification (germline): Likely benign (0 of 4 stars; one submission).

Conditions:
TRPA1-related disorder. Also called: TRPA1-related condition.

Allele frequency attached by ClinVar (database versions not stated): gnomAD exomes below 0.00001.
gnomAD v4.1: 1 of 1,614,140 alleles (0.000062%); highest among the groups gnomAD compares: Non-Finnish European, 0.000085%; no homozygotes.

Submission:

PreventionGenetics, part of Exact Sciences
Classification: Likely benign for TRPA1-related condition. Last evaluated: 2020-05-22. Review status: no assertion criteria provided. Collection method: clinical testing. Allele origin: germline.
Comment: This variant is classified as likely benign based on ACMG/AMP sequence variant interpretation guidelines (Richards et al. 2015 PMID: 25741868, with internal and published modifications).